The following is an entry in ClinVar:

NM_001128225.3(SLC39A13):c.1116A>G (p.Ter372=)

Gene: SLC39A13 (solute carrier family 39 member 13; plus strand). Cytogenetic location: 11p11.2.
Variant type: single nucleotide variant.
Coding change: c.1116A>G on transcript NM_001128225.3 (MANE Select); coding-DNA position 1116, A replaced by G.
Protein change: p.Ter372=.
Molecular consequence: synonymous variant. On other transcripts: 3 prime UTR variant (1), non-coding transcript variant (1).
Genome position (GRCh38, 1-based): chr11:47,415,363, A>G. VCF-style: chr11-47415363-A-G. GRCh37 (hg19) VCF-style: chr11-47436914-A-G.
Other names: c.*113A>G (NM_001330245.2); c.1095A>G, p.Ter365= (NM_152264.5).
Identifiers: ClinVar variation 1384282 (VCV001384282.4), dbSNP rs762617893, ClinGen allele CA5976065.
Genomic context (GRCh38, chr11:47,415,363, plus strand): 5'-GCTGCTTCTGCTCTGTGCGGGCATCGTGGTAATGGTGCTGTTCTCGCTCTTCGTGGATTA[A>G]CTTTCCCTGATGCCGACGCCCCTGCCCCCTGCAGCAATAAGATGCTCGGATTCACTCTGT-3'

ClinVar aggregate classification (germline): Uncertain significance (1 of 4 stars; one submission).

Conditions:
Ehlers-Danlos syndrome, spondylodysplastic type, 3. Also called: Ehlers-Danlos syndrome, spondylocheirodysplastic type. Identifiers: Orphanet 157965, MedGen C2676510, MONDO:0012873, OMIM 612350.

Allele frequency attached by ClinVar (database versions not stated): TOPMed 0.00001; gnomAD exomes 0.00002 and 0.00001; ExAC 0.00001; gnomAD 0.00001.
gnomAD v4.1: 19 of 1,613,790 alleles (0.0012%); highest among the groups gnomAD compares: Non-Finnish European, 0.0015%; no homozygotes.

Submission:

Labcorp Genetics (formerly Invitae), Labcorp
Classification: Uncertain significance for Ehlers-Danlos syndrome, spondylodysplastic type, 3. Last evaluated: 2021-05-07. Review status: criteria provided, single submitter. Criteria: Invitae Variant Classification Sherloc (09022015). Collection method: clinical testing. Allele origin: germline.
Comment: This sequence change affects codon 365 of the SLC39A13 mRNA. It is a 'silent' change, meaning that it does not change the encoded amino acid sequence of the SLC39A13 protein. In summary, the available evidence is currently insufficient to determine the role of this variant in disease. Therefore, it has been classified as a Variant of Uncertain Significance. Algorithms developed to predict the effect of sequence changes on RNA splicing suggest that this variant may create or strengthen a splice site, but this prediction has not been confirmed by published transcriptional studies. This variant has not been reported in the literature in individuals with SLC39A13-related conditions. This variant is present in population databases (rs762617893, ExAC 0.002%).